The following is an entry in ClinVar:

ClinVar aggregate classification (germline): Uncertain significance. Review status: criteria provided, multiple submitters, no conflicts (2 of 4 stars). 2 submissions from 2 submitters: Uncertain significance (2). Last evaluated 2023-05-26.

Conditions:
HADHA-related disorder. Also called: HADHA-related condition; HADHA-related disorders.

Allele frequency attached by ClinVar (database versions not stated): gnomAD exomes below 0.00001 and 0.00002; gnomAD 0.00002 and 0.00003; ExAC 0.00003; TOPMed 0.00003; 1000 Genomes Project 30x 0.00031; 1000 Genomes Project 0.00040.
gnomAD v4.1: 9 of 1,613,150 alleles (0.00056%); highest among the groups gnomAD compares: African/African-American, 0.011%; no homozygotes.

Submissions (2):

PreventionGenetics, part of Exact Sciences
Classification: Uncertain significance for HADHA-related condition. Last evaluated: 2023-05-26. Review status: criteria provided, single submitter. Criteria: ACMG Guidelines, 2015. Collection method: clinical testing. Allele origin: germline.
Comment: The HADHA c.1508T>G variant is predicted to result in the amino acid substitution p.Val503Gly. To our knowledge, this variant has not been reported in the literature. This variant is reported in 0.028% of alleles in individuals of African descent in gnomAD. At this time, the clinical significance of this variant is uncertain due to the absence of conclusive functional and genetic evidence.

GeneDx
Classification: Uncertain significance. Last evaluated: 2019-12-11. Review status: criteria provided, single submitter. Criteria: GeneDx Variant Classification Process June 2021. Collection method: clinical testing. Allele origin: germline. Affected: yes.
Comment: Has not been previously published as pathogenic or benign to our knowledge; In silico analysis, which includes protein predictors and evolutionary conservation, supports a deleterious effect

NM_000182.5(HADHA):c.1508T>G (p.Val503Gly)

Genes: GAREM2 (GRB2 associated regulator of MAPK1 subtype 2; plus strand), HADHA (hydroxyacyl-CoA dehydrogenase trifunctional multienzyme complex subunit alpha; minus strand). Cytogenetic location: 2p23.3.
Variant type: single nucleotide variant.
Coding change: c.1508T>G on transcript NM_000182.5 (MANE Select); coding-DNA position 1508, T replaced by G.
Protein change: p.Val503Gly; replaces valine 503 with glycine.
Molecular consequence: missense variant.
Genome position (GRCh38, 1-based): chr2:26,195,204, A>C on the plus strand (T>G on the coding strand, the complement: HADHA is on the minus strand). VCF-style: chr2-26195204-A-C. GRCh37 (hg19) VCF-style: chr2-26418073-A-C.
Other names: short protein forms V503G.
Identifiers: ClinVar variation 1311079 (VCV001311079.3), dbSNP rs201951506, ClinGen allele CA1559546.